The following is an entry in ClinVar:

ClinVar aggregate classification (germline): Likely pathogenic. Review status: criteria provided, single submitter (1 of 4 stars). 2 submissions from 2 submitters: Likely pathogenic (1). 1 of the submissions does not count toward it. Last evaluated 2023-07-16.

Conditions:
Charcot-Marie-Tooth disease. Also called: Charcot-Marie-Tooth Hereditary Neuropathy; Charcot-Marie-Tooth Neuropathy. Identifiers: Orphanet 166, MedGen C0007959, MONDO:0015626.
Charcot-Marie-Tooth disease X-linked dominant 1. Also called: Charcot-Marie-Tooth Neuropathy X Type 1; X-linked Charcot-Marie-Tooth disease type 1; GJB1 Disorders: Charcot-Marie-Tooth Neuropathy (CMT1X) and Central Nervous System Phenotypes; CHARCOT-MARIE-TOOTH NEUROPATHY, X-LINKED, 1; CHARCOT-MARIE-TOOTH PERONEAL MUSCULAR ATROPHY, X-LINKED; HEREDITARY MOTOR AND SENSORY NEUROPATHY, X-LINKED. Identifiers: Orphanet 101075, MedGen C0393808, MONDO:0010549, OMIM 302800.

Submissions (2):

Victorian Clinical Genetics Services, Murdoch Childrens Research Institute
Classification: Likely pathogenic for Charcot-Marie-Tooth disease X-linked dominant 1. Last evaluated: 2023-07-16. Review status: criteria provided, single submitter. Criteria: ACMG Guidelines, 2015. Collection method: clinical testing. Allele origin: germline. Inheritance: X-linked dominant inheritance. Affected: yes.
Comment: Based on the classification scheme VCGS_Germline_v1.3.4, this variant is classified as Likely pathogenic. Following criteria are met: 0102 - Loss of function is a known mechanism of disease in this gene and is associated with X-linked dominant Charcot-Marie-Tooth neuropathy 1 (MIM#302800). (I) 0112 - The condition associated with this gene has incomplete penetrance. Some female heterozygotes may be asymptomatic (GeneReviews). (I) 0115 - Variants in this gene are known to have variable expressivity. Phenotypic variability has been reported for affected males and female heterozygotes (OMIM). (I) 0200 - Variant is predicted to result in a missense amino acid change from phenylalanine to isoleucine. (I) 0253 - This variant is hemizygous. (I) 0301 - Variant is absent from gnomAD (both v2 and v3). (SP) 0501 - Missense variant consistently predicted to be damaging by multiple in silico tools or highly conserved with a major amino acid change. (SP) 0600 - Variant is located in the annotated connexin domain (NCBI domain). (I) 0703 - Other missense variants comparable to the one identified in this case have moderate previous evidence for pathogenicity. Two different variants in the same codon resulting in changes to valine and leucine have been reported as VUS in ClinVar and in patients with Charcot-Marie-Tooth neuropathy (ClinVar, PMID: 29086968, PMID: 27098243). (SP) 0803 - This variant has limited previous evidence of pathogenicity in unrelated individuals. This variant has been previously reported as a VUS in ClinVar and pathogenic in patients with Charcot-Marie-Tooth neuropathy (Global Variome shared LOVD, PMID: 9888385). (SP) 0902 - This variant has moderate evidence for segregation with disease. (SP) 1007 - No published functional evidence has been identified for this variant. (I) 1208 - Inheritance information for this variant is not currently available in this individual. (I) Legend: (SP) - Supporting pathogenic, (I) - Information, (SB) - Supporting benign

Inherited Neuropathy Consortium
Classification: Uncertain significance for Charcot-Marie-Tooth disease. Review status: no assertion criteria provided. Collection method: literature only. Allele origin: germline. Affected: yes. Not counted in ClinVar's aggregate classification.

Literature cited by the submitters: PubMed 9888385 (cited by Victorian Clinical Genetics Services, Murdoch Childrens Research Institute); PubMed 27098243 (cited by Victorian Clinical Genetics Services, Murdoch Childrens Research Institute); PubMed 29086968 (cited by Victorian Clinical Genetics Services, Murdoch Childrens Research Institute); PubMed 10093067 (cited by Inherited Neuropathy Consortium).

NM_000166.6(GJB1):c.445T>A (p.Phe149Ile)

Gene: GJB1 (gap junction protein beta 1; plus strand). Cytogenetic location: Xq13.1.
Variant type: single nucleotide variant.
Coding change: c.445T>A on transcript NM_000166.6 (MANE Select); coding-DNA position 445, T replaced by A.
Protein change: p.Phe149Ile; replaces phenylalanine 149 with isoleucine.
Molecular consequence: missense variant.
Genome position (GRCh38, 1-based): chrX:71,224,152, T>A. VCF-style: chrX-71224152-T-A. GRCh37 (hg19) VCF-style: chrX-70444002-T-A.
Other names: c.445T>A, p.Phe149Ile (NM_001097642.3); short protein forms F149I.
Identifiers: ClinVar variation 637210 (VCV000637210.3), dbSNP rs1602349369, ClinGen allele CA413502487.
Genomic context (GRCh38, chrX:71,224,152, plus strand): 5'-GGGACACTGTGGTGGACCTATGTCATCAGCGTGGTGTTCCGGCTGTTGTTTGAGGCCGTC[T>A]TCATGTATGTCTTTTATCTGCTCTACCCTGGCTATGCCATGGTGCGGCTGGTCAAGTGCG-3'
Protein context (NP_000157.1, residues 139-159): VVFRLLFEAV[Phe149Ile]MYVFYLLYPG